The following is an entry in ClinVar:

NM_003998.4(NFKB1):c.2602_2603dup (p.Thr869fs)

Gene: NFKB1 (nuclear factor kappa B subunit 1; plus strand). Cytogenetic location: 4q24.
Variant type: Duplication.
Coding change: c.2602_2603dup on transcript NM_003998.4 (MANE Select); coding-DNA positions 2602 to 2603, 2 bases duplicated (GG; older notation c.2602_2603dupGG).
Protein change: p.Thr869fs; shifts the reading frame from threonine 869.
Molecular consequence: frameshift variant.
Genome position (GRCh38, 1-based): chr4:102,613,434-102,613,435, GG duplicated; duplicating any 2 consecutive bases within chr4:102,613,431-102,613,435 gives the same sequence; the c. name uses the placement nearest the transcript's 3' end. VCF-style (leftmost placement, unchanged base first): chr4-102613430-T-TGG. GRCh37 (hg19) VCF-style: chr4-103534587-T-TGG.
Other names: c.2602_2603dup, p.Thr869fs (LRG_1316t1); c.2599_2600dup, p.Thr868fs (NM_001165412.2, NM_001319226.2); c.2602_2603dupGG (NM_003998.3); short protein forms T869fs, T868fs.
Identifiers: ClinVar variation 432311 (VCV000432311.3), dbSNP rs1553938888, ClinGen allele CA645372757.

ClinVar aggregate classification (germline): Pathogenic. Review status: criteria provided, multiple submitters, no conflicts (2 of 4 stars). 2 submissions from 2 submitters: Pathogenic (2). Last evaluated 2024-03-18.

Submissions (2):

Labcorp Genetics (formerly Invitae), Labcorp
Classification: Pathogenic. Last evaluated: 2024-03-18. Review status: criteria provided, single submitter. Criteria: Invitae Variant Classification Sherloc (09022015). Collection method: clinical testing. Allele origin: germline.
Comment: This sequence change creates a premature translational stop signal (p.Thr869Valfs*10) in the NFKB1 gene. It is expected to result in an absent or disrupted protein product. Loss-of-function variants in NFKB1 are known to be pathogenic (PMID: 26279205, 29477724). This variant is not present in population databases (gnomAD no frequency). This premature translational stop signal has been observed in individual(s) with common variable immunodeficiency (PMID: 34473196). ClinVar contains an entry for this variant (Variation ID: 432311). For these reasons, this variant has been classified as Pathogenic.

GeneDx
Classification: Pathogenic. Last evaluated: 2017-06-02. Review status: criteria provided, single submitter. Criteria: GeneDx Variant Classification (06012015). Collection method: clinical testing. Allele origin: germline. Affected: yes.
Comment: The c.2602_2603dupGG variant in the NFKB1 gene has not been reported previously as a pathogenic variant nor as a benign variant, to our knowledge. The c.2602_2603dupGG variant causes a frameshift starting with codon Threonine 869, changes this amino acid to a Valine residue, and creates a premature Stop codon at position 10 of the new reading frame, denoted p.Thr869ValfsX10. This variant is predicted to cause loss of normal protein function either through protein truncation or nonsense-mediated mRNA decay. The c.2602_2603dupGG variant is not observed in large population cohorts (Lek et al., 2016; 1000 Genomes Consortium et al., 2015; Exome Variant Server). We interpret c.2602_2603dupGG as a pathogenic variant.

Literature cited by the submitters: PubMed 26279205 (cited by Labcorp Genetics (formerly Invitae), Labcorp); PubMed 29477724 (cited by Labcorp Genetics (formerly Invitae), Labcorp); PubMed 34473196 (cited by Labcorp Genetics (formerly Invitae), Labcorp).